The following is an entry in ClinVar:

ClinVar aggregate classification (germline): Uncertain significance (1 of 4 stars; one submission).

Allele frequency attached by ClinVar (database versions not stated): gnomAD exomes below 0.00001.

Submission:

Labcorp Genetics (formerly Invitae), Labcorp
Classification: Uncertain significance. Last evaluated: 2023-01-15. Review status: criteria provided, single submitter. Criteria: Invitae Variant Classification Sherloc (09022015). Collection method: clinical testing. Allele origin: germline.
Comment: In summary, the available evidence is currently insufficient to determine the role of this variant in disease. Therefore, it has been classified as a Variant of Uncertain Significance. Algorithms developed to predict the effect of missense changes on protein structure and function output the following: SIFT: "Tolerated"; PolyPhen-2: "Benign"; Align-GVGD: "Class C0". The asparagine amino acid residue is found in multiple mammalian species, which suggests that this missense change does not adversely affect protein function. This variant has not been reported in the literature in individuals affected with PLK4-related conditions. This variant is not present in population databases (gnomAD no frequency). This sequence change replaces serine, which is neutral and polar, with asparagine, which is neutral and polar, at codon 439 of the PLK4 protein (p.Ser439Asn).

NM_014264.5(PLK4):c.1316G>A (p.Ser439Asn)

Gene: PLK4 (polo like kinase 4; plus strand). Cytogenetic location: 4q28.1.
Variant type: single nucleotide variant.
Coding change: c.1316G>A on transcript NM_014264.5 (MANE Select); coding-DNA position 1316, G replaced by A.
Protein change: p.Ser439Asn; replaces serine 439 with asparagine.
Molecular consequence: missense variant.
Genome position (GRCh38, 1-based): chr4:127,886,686, G>A. VCF-style: chr4-127886686-G-A. GRCh37 (hg19) VCF-style: chr4-128807841-G-A.
Other names: c.1220G>A, p.Ser407Asn (NM_001190799.2); c.1193G>A, p.Ser398Asn (NM_001190801.2); short protein forms S407N, S439N, S398N.
Identifiers: ClinVar variation 2828765 (VCV002828765.3), dbSNP rs2546014060, ClinGen allele CA358154289.